The following is an entry in ClinVar:

ClinVar aggregate classification (germline): Uncertain significance. Review status: criteria provided, single submitter (1 of 4 stars). 2 submissions from 2 submitters: Uncertain significance (1). 1 of the submissions does not count toward it. Last evaluated 2019-10-22.

Conditions:
Charcot-Marie-Tooth disease axonal type 2S. Also called: CHARCOT-MARIE-TOOTH NEUROPATHY, TYPE 2S; CHARCOT-MARIE-TOOTH DISEASE, AXONAL, AUTOSOMAL RECESSIVE, TYPE 2S. Identifiers: Orphanet 443073, MedGen C4015349, MONDO:0014511, OMIM 616155.
Autosomal recessive distal spinal muscular atrophy 1. Also called: SEVERE INFANTILE AXONAL NEUROPATHY WITH RESPIRATORY FAILURE; SPINAL MUSCULAR ATROPHY, DIAPHRAGMATIC; Spinal muscular atrophy with respiratory distress 1; HMN VI; NEURONOPATHY, SEVERE INFANTILE AXONAL, WITH RESPIRATORY FAILURE; NEURONOPATHY, DISTAL HEREDITARY MOTOR, HARDING TYPE VI. Identifiers: Orphanet 98920, MedGen C1858517, MONDO:0011436, OMIM 604320.
Charcot-Marie-Tooth disease. Also called: Charcot-Marie-Tooth Neuropathy; Charcot-Marie-Tooth Hereditary Neuropathy. Identifiers: Orphanet 166, MedGen C0007959, MONDO:0015626.

Submissions (2):

Labcorp Genetics (formerly Invitae), Labcorp
Classification: Uncertain significance for Autosomal recessive distal spinal muscular atrophy 1; Charcot-Marie-Tooth disease axonal type 2S. Last evaluated: 2019-10-22. Review status: criteria provided, single submitter. Criteria: Invitae Variant Classification Sherloc (09022015). Collection method: clinical testing. Allele origin: germline.
Comment: This sequence change replaces histidine with arginine at codon 930 of the IGHMBP2 protein (p.His930Arg). The histidine residue is highly conserved and there is a small physicochemical difference between histidine and arginine. This variant is not present in population databases (ExAC no frequency). This variant has not been reported in the literature in individuals with IGHMBP2-related conditions. Algorithms developed to predict the effect of missense changes on protein structure and function are either unavailable or do not agree on the potential impact of this missense change (SIFT: "Tolerated"; PolyPhen-2: "Probably Damaging"; Align-GVGD: "Class C0"). In summary, the available evidence is currently insufficient to determine the role of this variant in disease. Therefore, it has been classified as a Variant of Uncertain Significance.

Genesis Genome Database
Classification: Uncertain significance for Charcot-Marie-Tooth disease. Last evaluated: 2019-08-14. Review status: no assertion criteria provided. Collection method: research. Allele origin: germline. Affected: yes. Not counted in ClinVar's aggregate classification.

NM_002180.3(IGHMBP2):c.2789A>G (p.His930Arg)

Gene: IGHMBP2 (immunoglobulin mu DNA binding protein 2; plus strand). Cytogenetic location: 11q13.3.
Variant type: single nucleotide variant.
Coding change: c.2789A>G on transcript NM_002180.3 (MANE Select); coding-DNA position 2789, A replaced by G.
Protein change: p.His930Arg; replaces histidine 930 with arginine.
Molecular consequence: missense variant.
Genome position (GRCh38, 1-based): chr11:68,939,538, A>G. VCF-style: chr11-68939538-A-G. GRCh37 (hg19) VCF-style: chr11-68707006-A-G.
Other names: short protein forms H930R.
Identifiers: ClinVar variation 694863 (VCV000694863.11), dbSNP rs1594459783, ClinGen allele CA381654714.